The following is an entry in ClinVar:

NM_014704.4(CEP104):c.906T>G (p.Phe302Leu)

Gene: CEP104 (centrosomal protein 104; minus strand). Cytogenetic location: 1p36.32.
Variant type: single nucleotide variant.
Coding change: c.906T>G on transcript NM_014704.4 (MANE Select); coding-DNA position 906, T replaced by G.
Protein change: p.Phe302Leu; replaces phenylalanine 302 with leucine.
Molecular consequence: missense variant.
Genome position (GRCh38, 1-based): chr1:3,837,505, A>C on the plus strand (T>G on the coding strand, the complement: CEP104 is on the minus strand). VCF-style: chr1-3837505-A-C. GRCh37 (hg19) VCF-style: chr1-3754069-A-C.
Other names: c.906T>G (NM_014704.3); short protein forms F302L.
Identifiers: ClinVar variation 1365648 (VCV001365648.7), dbSNP rs529153686, ClinGen allele CA551767.

ClinVar aggregate classification (germline): Conflicting classifications of pathogenicity. Review status: criteria provided, conflicting classifications (1 of 4 stars). 3 submissions from 3 submitters: Uncertain significance (1); Likely benign (2). Last evaluated 2025-09-03.

Conditions:
CEP104-related disorder. Also called: CEP104-related condition.
Joubert syndrome 25 (JBTS25). Identifiers: Orphanet 475, MedGen C4084842, MONDO:0014770, OMIM 616781.

Allele frequency attached by ClinVar (database versions not stated): gnomAD 0.00007; gnomAD exomes 0.00021; ExAC 0.00026; 1000 Genomes Project 30x 0.00078; 1000 Genomes Project 0.00080.
gnomAD v4.1: 170 of 1,614,222 alleles (0.011%); highest among the groups gnomAD compares: South Asian, 0.17%; 2 homozygotes.

Submissions (3):

PreventionGenetics, part of Exact Sciences
Classification: Likely benign for CEP104-related condition. Last evaluated: 2025-09-03. Review status: criteria provided, single submitter. Criteria: ACMG Guidelines, 2015. Collection method: clinical testing. Allele origin: germline.
Comment: This variant is classified as likely benign based on ACMG/AMP sequence variant interpretation guidelines (Richards et al. 2015 PMID: 25741868, with internal and published modifications).

Blueprint Genetics
Classification: Likely benign. Last evaluated: 2022-11-16. Review status: criteria provided, single submitter. Criteria: ACMG Guidelines, 2015. Collection method: clinical testing. Allele origin: germline.

Labcorp Genetics (formerly Invitae), Labcorp
Classification: Uncertain significance for Joubert syndrome 25. Last evaluated: 2022-06-03. Review status: criteria provided, single submitter. Criteria: Invitae Variant Classification Sherloc (09022015). Collection method: clinical testing. Allele origin: germline.
Comment: This sequence change replaces phenylalanine, which is neutral and non-polar, with leucine, which is neutral and non-polar, at codon 302 of the CEP104 protein (p.Phe302Leu). This variant is present in population databases (rs529153686, gnomAD 0.2%). This variant has not been reported in the literature in individuals affected with CEP104-related conditions. ClinVar contains an entry for this variant (Variation ID: 1365648). Algorithms developed to predict the effect of missense changes on protein structure and function output the following: SIFT: "Tolerated"; PolyPhen-2: "Benign"; Align-GVGD: "Class C0". The leucine amino acid residue is found in multiple mammalian species, which suggests that this missense change does not adversely affect protein function. In summary, the available evidence is currently insufficient to determine the role of this variant in disease. Therefore, it has been classified as a Variant of Uncertain Significance.